The following is an entry in ClinVar:

NM_001291303.3(FAT4):c.2527C>T (p.Gln843Ter)

Gene: FAT4 (FAT atypical cadherin 4; plus strand). Cytogenetic location: 4q28.1.
Variant type: single nucleotide variant.
Coding change: c.2527C>T on transcript NM_001291303.3 (MANE Select); coding-DNA position 2527, C replaced by T.
Protein change: p.Gln843Ter; replaces glutamine 843 with a stop codon.
Molecular consequence: nonsense.
Genome position (GRCh38, 1-based): chr4:125,318,938, C>T. VCF-style: chr4-125318938-C-T. GRCh37 (hg19) VCF-style: chr4-126240093-C-T.
Other names: c.2527C>T, p.Gln843Ter (NM_001291285.3, NM_024582.6); short protein forms Q843*.
Identifiers: ClinVar variation 419544 (VCV000419544.2), dbSNP rs1064793943, ClinGen allele CA16618031.
Genomic context (GRCh38, chr4:125,318,938, plus strand): 5'-AATTCCAACATCAGTTATCTCATTACTACTGGGGATCAGAAAGGTATGTTTGCTATCAAC[C>T]AGGTCACTGGGCAGCTTACCACAGCAAATGTGATTGATAGAGAAGAGCAATCCTTTTATC-3'

ClinVar aggregate classification (germline): Likely pathogenic (1 of 4 stars; one submission).

Submission:

GeneDx
Classification: Likely pathogenic. Last evaluated: 2017-05-26. Review status: criteria provided, single submitter. Criteria: GeneDx Variant Classification (06012015). Collection method: clinical testing. Allele origin: germline. Affected: yes.
Comment: The Q843X variant in the FAT4 gene has not been reported previously as a pathogenic variant nor as a benign variant, to our knowledge. This variant is predicted to cause loss of normal protein function either through protein truncation or nonsense-mediated mRNA decay. The Q843X variant is not observed in large population cohorts (Lek et al., 2016; 1000 Genomes Consortium et al., 2015; Exome Variant Server). We interpret Q843X as a likely pathogenic variant.